The following is an entry in ClinVar:

ClinVar aggregate classification (germline): Likely benign. Review status: criteria provided, multiple submitters, no conflicts (2 of 4 stars). 2 submissions from 2 submitters: Likely benign (2). Last evaluated 2024-10-02.

Conditions:
Familial cancer of breast. Also called: BREAST CANCER, FAMILIAL; Hereditary breast cancer; hereditary breast carcinoma. Identifiers: Orphanet 227535, MedGen C0346153, MONDO:0016419, OMIM 114480. Disease mechanism: loss of function.

Allele frequency attached by ClinVar (database versions not stated): gnomAD exomes below 0.00001.

Submissions (2):

Myriad Genetics, Inc.
Classification: Likely benign for Familial cancer of breast. Last evaluated: 2024-10-02. Review status: criteria provided, single submitter. Criteria: Myriad Autosomal Dominant, Autosomal Recessive and X-Linked Classification Criteria (2023). Collection method: clinical testing. Allele origin: unknown.
Comment: This variant is considered likely benign. This variant is intronic and is not expected to impact mRNA splicing.

Labcorp Genetics (formerly Invitae), Labcorp
Classification: Likely benign for Familial cancer of breast. Last evaluated: 2022-11-12. Review status: criteria provided, single submitter. Criteria: Invitae Variant Classification Sherloc (09022015). Collection method: clinical testing. Allele origin: germline.

NM_007194.4(CHEK2):c.319+7C>A

Gene: CHEK2 (checkpoint kinase 2; minus strand). Cytogenetic location: 22q12.1.
Variant type: single nucleotide variant.
Coding change: c.319+7C>A on transcript NM_007194.4 (MANE Select); 7 bases into the intron after coding-DNA position 319, C replaced by A.
Molecular consequence: intron variant.
Genome position (GRCh38, 1-based): chr22:28,734,396, G>T on the plus strand (C>A on the coding strand, the complement: CHEK2 is on the minus strand). VCF-style: chr22-28734396-G-T. GRCh37 (hg19) VCF-style: chr22-29130384-G-T.
Other names: c.-459+7C>A (NM_001257387.3); c.319+7C>A (NM_001438295.1, NM_001438293.1, NM_001438294.1 and 3 more transcripts); c.-345+7373C>A (NM_001437942.1).
Identifiers: ClinVar variation 1569859 (VCV001569859.10), dbSNP rs1057522753, ClinGen allele CA638798727.
Genomic context (GRCh38, chr22:28,734,396, plus strand): 5'-TGGTAATACAACTTTCTGTAAGTGTTTTTCTGAACAAAACGTGATACTATACAACAAAGG[G>T]TCTTACCAAGATTGGCAAATCCATCCTGAAGGGCCCATAATCGAGCCCAGGGGGCAGGGG-3'